The following is an entry in ClinVar:

ClinVar aggregate classification (germline): Uncertain significance (1 of 4 stars; one submission).

Conditions:
Gastrointestinal stromal tumor. Also called: Gastrointestinal stroma tumor; Gastrointestinal stromal tumor, somatic. Identifiers: Orphanet 44890, MedGen C0238198, MeSH D046152, MONDO:0011719, OMIM 606764, HP:0100723.

Submission:

Labcorp Genetics (formerly Invitae), Labcorp
Classification: Uncertain significance for Gastrointestinal stromal tumor. Last evaluated: 2022-03-29. Review status: criteria provided, single submitter. Criteria: Invitae Variant Classification Sherloc (09022015). Collection method: clinical testing. Allele origin: germline.
Comment: This sequence change falls in intron 14 of the KIT gene. It does not directly change the encoded amino acid sequence of the KIT protein. This variant is not present in population databases (gnomAD no frequency). This variant has not been reported in the literature in individuals affected with KIT-related conditions. Algorithms developed to predict the effect of sequence changes on RNA splicing suggest that this variant may disrupt the consensus splice site. In summary, the available evidence is currently insufficient to determine the role of this variant in disease. Therefore, it has been classified as a Variant of Uncertain Significance.

NM_000222.3(KIT):c.2142-10T>G

Gene: KIT (KIT proto-oncogene, receptor tyrosine kinase; plus strand). Cytogenetic location: 4q12.
Variant type: single nucleotide variant.
Coding change: c.2142-10T>G on transcript NM_000222.3 (MANE Select); 10 bases into the intron before coding-DNA position 2142, T replaced by G.
Molecular consequence: intron variant.
Genome position (GRCh38, 1-based): chr4:54,731,318, T>G. VCF-style: chr4-54731318-T-G. GRCh37 (hg19) VCF-style: chr4-55597484-T-G.
Other names: c.2145-10T>G (NM_001385284.1); c.2145-13T>G (NM_001385290.1); c.2133-10T>G (NM_001385288.1); c.2133-13T>G (NM_001385292.1); c.2142-13T>G (NM_001385285.1); c.2130-10T>G (NM_001093772.2); c.2130-13T>G (NM_001385286.1).
Identifiers: ClinVar variation 2119180 (VCV002119180.4), dbSNP rs2109792017, ClinGen allele CA2580071190.